The following is an entry in ClinVar:

NM_022041.4(GAN):c.1477G>A (p.Glu493Lys)

Gene: GAN (gigaxonin; plus strand). Cytogenetic location: 16q23.2.
Variant type: single nucleotide variant.
Coding change: c.1477G>A on transcript NM_022041.4 (MANE Select); coding-DNA position 1477, G replaced by A.
Protein change: p.Glu493Lys; replaces glutamic acid 493 with lysine.
Molecular consequence: missense variant.
Genome position (GRCh38, 1-based): chr16:81,365,453, G>A. VCF-style: chr16-81365453-G-A. GRCh37 (hg19) VCF-style: chr16-81399058-G-A.
Other names: c.838G>A, p.Glu280Lys (NM_001377486.1); short protein forms E493K, E280K.
Identifiers: ClinVar variation 533935 (VCV000533935.8), dbSNP rs780427229, ClinGen allele CA8191776.

ClinVar aggregate classification (germline): Conflicting classifications of pathogenicity. Review status: criteria provided, conflicting classifications (1 of 4 stars). 2 submissions from 2 submitters: Likely pathogenic (1); Uncertain significance (1). Last evaluated 2025-11-19.

Conditions:
Giant axonal neuropathy 1 (GAN1). Also called: GAN-Related Neurodegeneration; GIANT AXONAL NEUROPATHY 1, AUTOSOMAL RECESSIVE. Identifiers: Orphanet 643, MedGen C1850386, MONDO:0009749, OMIM 256850.

Allele frequency attached by ClinVar (database versions not stated): gnomAD exomes 0.00001; ExAC 0.00002.
gnomAD v4.1: 8 of 1,613,644 alleles (0.0005%); highest among the groups gnomAD compares: Non-Finnish European, 0.00059%; no homozygotes.

Submissions (2):

3billion
Classification: Likely pathogenic for Giant axonal neuropathy 1. Last evaluated: 2025-11-19. Review status: criteria provided, single submitter. Criteria: ACMG Guidelines, 2015. Collection method: clinical testing. Allele origin: germline. Affected: yes.
Comment: The variant is observed at an extremely low frequency in the gnomAD v4.1.0 dataset (total allele frequency: <0.001%). Predicted Consequence/Location: Missense variant. The majority of the known disease-causing variants of this gene are variants expected to result in premature termination of the protein. In silico tool predictions suggest damaging effect of the variant on gene or gene product [REVEL: 0.61 (>=0.6, sensitivity 0.68 and specificity 0.92)]. The same nucleotide change resulting in the same amino acid change has been previously reported to be associated with GAN-related disorder (PMID: 30532362). However, the evidence of pathogenicity is insufficient at this time. The variant has been reported to be in trans with a pathogenic variant as either compound heterozygous or homozygous in at least one similarly affected unrelated individual (PMID: 30532362, 31655922). A different missense change at the same codon (p.Glu493Ala) has been reported to be associated with GAN-related disorder (PMID: 37648479). Therefore, this variant is classified as Likely pathogenic according to the recommendation of ACMG/AMP guideline.

Labcorp Genetics (formerly Invitae), Labcorp
Classification: Uncertain significance for Giant axonal neuropathy 1. Last evaluated: 2025-06-04. Review status: criteria provided, single submitter. Criteria: Invitae Variant Classification Sherloc (09022015). Collection method: clinical testing. Allele origin: germline.
Comment: This sequence change replaces glutamic acid, which is acidic and polar, with lysine, which is basic and polar, at codon 493 of the GAN protein (p.Glu493Lys). This variant is present in population databases (rs780427229, gnomAD 0.002%). This missense change has been observed in individuals with giant axonal neuropathy (PMID: 30532362, 31655922, 34114613). ClinVar contains an entry for this variant (Variation ID: 533935). An algorithm developed to predict the effect of missense changes on protein structure and function (PolyPhen-2) suggests that this variant is likely to be disruptive. In summary, the available evidence is currently insufficient to determine the role of this variant in disease. Therefore, it has been classified as a Variant of Uncertain Significance.

Literature cited by the submitters: PubMed 30532362 (cited by 3billion and Labcorp Genetics (formerly Invitae), Labcorp); PubMed 37648479 (cited by 3billion); PubMed 31655922 (cited by 3billion and Labcorp Genetics (formerly Invitae), Labcorp); PubMed 34114613 (cited by Labcorp Genetics (formerly Invitae), Labcorp).